The following is an entry in ClinVar:

ClinVar aggregate classification (germline): Uncertain significance (1 of 4 stars; one submission).

Conditions:
Immunodeficiency, common variable, 10. Also called: DEFICIT IN ANTERIOR PITUITARY FUNCTION AND VARIABLE IMMUNODEFICIENCY; IMMUNODEFICIENCY, COMMON VARIABLE, WITH CENTRAL ADRENAL INSUFFICIENCY. Identifiers: MedGen C3809991, MONDO:0014260, OMIM 615577.

gnomAD v4.1: 7 of 1,613,782 alleles (0.00043%); highest among the groups gnomAD compares: East Asian, 0.0022%; no homozygotes.

Submission:

Labcorp Genetics (formerly Invitae), Labcorp
Classification: Uncertain significance for Immunodeficiency, common variable, 10. Last evaluated: 2025-12-31. Review status: criteria provided, single submitter. Criteria: Invitae Variant Classification Sherloc (09022015). Collection method: clinical testing. Allele origin: germline.
Comment: This sequence change replaces arginine, which is basic and polar, with histidine, which is basic and polar, at codon 664 of the NFKB2 protein (p.Arg664His). This variant is not present in population databases (gnomAD no frequency). This variant has not been reported in the literature in individuals affected with NFKB2-related conditions. An algorithm developed to predict the effect of missense changes on protein structure and function (PolyPhen-2) suggests that this variant is likely to be tolerated. In summary, the available evidence is currently insufficient to determine the role of this variant in disease. Therefore, it has been classified as a Variant of Uncertain Significance.

NM_001322934.2(NFKB2):c.1991G>A (p.Arg664His)

Gene: NFKB2 (nuclear factor kappa B subunit 2; plus strand). Cytogenetic location: 10q24.32.
Variant type: single nucleotide variant.
Coding change: c.1991G>A on transcript NM_001322934.2 (MANE Select); coding-DNA position 1991, G replaced by A.
Protein change: p.Arg664His; replaces arginine 664 with histidine.
Molecular consequence: missense variant.
Genome position (GRCh38, 1-based): chr10:102,400,969, G>A. VCF-style: chr10-102400969-G-A. GRCh37 (hg19) VCF-style: chr10-104160726-G-A.
Other names: c.1991G>A, p.Arg664His (NM_001077494.3, NM_001261403.3, NM_001288724.1 and 1 more transcripts); c.1865G>A, p.Arg622His (NM_001322935.1); short protein forms R664H, R622H.
Identifiers: ClinVar variation 4738202 (VCV004738202.1).